The following is an entry in ClinVar:

NM_000036.3(AMPD1):c.1030C>A (p.Leu344Ile)

Gene: AMPD1 (adenosine monophosphate deaminase 1; minus strand). Cytogenetic location: 1p13.2.
Variant type: single nucleotide variant.
Coding change: c.1030C>A on transcript NM_000036.3 (MANE Select); coding-DNA position 1030, C replaced by A.
Protein change: p.Leu344Ile; replaces leucine 344 with isoleucine.
Molecular consequence: missense variant.
Genome position (GRCh38, 1-based): chr1:114,678,395, G>T on the plus strand (C>A on the coding strand, the complement: AMPD1 is on the minus strand). VCF-style: chr1-114678395-G-T. GRCh37 (hg19) VCF-style: chr1-115221016-G-T.
Other names: c.1018C>A, p.Leu340Ile (NM_001172626.2); short protein forms L340I, L344I.
Identifiers: ClinVar variation 1382041 (VCV001382041.5), dbSNP rs377513152, ClinGen allele CA29055727.

ClinVar aggregate classification (germline): Uncertain significance. Review status: criteria provided, multiple submitters, no conflicts (2 of 4 stars). 2 submissions from 2 submitters: Uncertain significance (2). Last evaluated 2022-08-31.

Conditions:
Muscle AMP deaminase deficiency (MMDD). Also called: AMPD1 DEFICIENCY; ADENOSINE MONOPHOSPHATE DEAMINASE-1 DEFICIENCY, MYOPATHY DUE TO; Myoadenylate deaminase deficiency, myopathy due to; Adenosine monophosphate deaminase 1 deficiency; AMP deaminase 1 deficiency; Adenosine Monophosphate Deaminase 1. Identifiers: Orphanet 45, MedGen C3714933, MONDO:0014220, OMIM 615511.

Allele frequency attached by ClinVar (database versions not stated): gnomAD exomes below 0.00001; gnomAD 0.00001; ESP Exome Variant Server 0.00008.
gnomAD v4.1: 7 of 1,614,016 alleles (0.00043%); highest among the groups gnomAD compares: Non-Finnish European, 0.00059%; no homozygotes.

Submissions (2):

Labcorp Genetics (formerly Invitae), Labcorp
Classification: Uncertain significance for Muscle AMP deaminase deficiency. Last evaluated: 2022-08-31. Review status: criteria provided, single submitter. Criteria: Invitae Variant Classification Sherloc (09022015). Collection method: clinical testing. Allele origin: germline.
Comment: ClinVar contains an entry for this variant (Variation ID: 1382041). In summary, the available evidence is currently insufficient to determine the role of this variant in disease. Therefore, it has been classified as a Variant of Uncertain Significance. Algorithms developed to predict the effect of missense changes on protein structure and function are either unavailable or do not agree on the potential impact of this missense change (SIFT: "Tolerated"; PolyPhen-2: "Possibly Damaging"; Align-GVGD: "Class C0"). This variant has not been reported in the literature in individuals affected with AMPD1-related conditions. This variant is not present in population databases (gnomAD no frequency). This sequence change replaces leucine, which is neutral and non-polar, with isoleucine, which is neutral and non-polar, at codon 377 of the AMPD1 protein (p.Leu377Ile).

Breakthrough Genomics
Classification: Uncertain significance. Review status: criteria provided, single submitter. Criteria: ACMG Guidelines, 2015. Collection method: not provided. Allele origin: germline. Inheritance: Autosomal recessive inheritance. Affected: yes.